The following is an entry in ClinVar:

NM_001099289.3(SH3RF3):c.802G>A (p.Glu268Lys)

Genes: RANBP2 (RAN binding protein 2; plus strand), SH3RF3 (SH3 domain containing ring finger 3; plus strand). Cytogenetic location: 2q13.
Variant type: single nucleotide variant.
Coding change: c.802G>A on transcript NM_001099289.3 (MANE Select); coding-DNA position 802, G replaced by A.
Protein change: p.Glu268Lys; replaces glutamic acid 268 with lysine.
Molecular consequence: missense variant.
Genome position (GRCh38, 1-based): chr2:109,347,902, G>A. VCF-style: chr2-109347902-G-A. GRCh37 (hg19) VCF-style: chr2-109964358-G-A.
Other names: short protein forms E268K.
Identifiers: ClinVar variation 4164364 (VCV004164364.1).

ClinVar aggregate classification (germline): Uncertain significance (1 of 4 stars; one submission).

gnomAD v4.1: 15 of 1,610,896 alleles (0.00093%); highest among the groups gnomAD compares: East Asian, 0.0022%; no homozygotes.

Submission:

Ambry Genetics
Classification: Uncertain significance. Last evaluated: 2025-07-08. Review status: criteria provided, single submitter. Criteria: Ambry Variant Classification Scheme 2023. Collection method: clinical testing. Allele origin: germline.
Comment: The c.802G>A (p.E268K) alteration is located in exon (coding exon ) of the SH3RF3 gene. This alteration results from a G to A substitution at nucleotide position 802, causing the glutamic acid (E) at amino acid position 268 to be replaced by a lysine (K). Based on insufficient or conflicting evidence, the clinical significance of this alteration remains unclear.